The following is an entry in ClinVar:

NM_005732.4(RAD50):c.1452+4A>G

Gene: RAD50 (RAD50 double strand break repair protein; plus strand). Cytogenetic location: 5q31.1.
Variant type: single nucleotide variant.
Coding change: c.1452+4A>G on transcript NM_005732.4 (MANE Select); 4 bases into the intron after coding-DNA position 1452, A replaced by G.
Molecular consequence: intron variant.
Genome position (GRCh38, 1-based): chr5:132,589,841, A>G. VCF-style: chr5-132589841-A-G. GRCh37 (hg19) VCF-style: chr5-131925533-A-G.
Identifiers: ClinVar variation 2879269 (VCV002879269.3), dbSNP rs2479637567, ClinGen allele CA2739275038.

ClinVar aggregate classification (germline): Uncertain significance (1 of 4 stars; one submission).

Conditions:
Hereditary cancer-predisposing syndrome. Also called: Hereditary Cancer Syndrome; Hereditary neoplastic syndrome; Tumor predisposition; Neoplastic Syndromes, Hereditary. Identifiers: Orphanet 140162, MedGen C0027672, MeSH D009386, MONDO:0015356.

Submission:

Labcorp Genetics (formerly Invitae), Labcorp
Classification: Uncertain significance for Hereditary cancer-predisposing syndrome. Last evaluated: 2023-07-17. Review status: criteria provided, single submitter. Criteria: Invitae Variant Classification Sherloc (09022015). Collection method: clinical testing. Allele origin: germline.
Comment: In summary, the available evidence is currently insufficient to determine the role of this variant in disease. Therefore, it has been classified as a Variant of Uncertain Significance. This sequence change falls in intron 9 of the RAD50 gene. It does not directly change the encoded amino acid sequence of the RAD50 protein. It affects a nucleotide within the consensus splice site. This variant is not present in population databases (gnomAD no frequency). This variant has not been reported in the literature in individuals affected with RAD50-related conditions. Variants that disrupt the consensus splice site are a relatively common cause of aberrant splicing (PMID: 17576681, 9536098). Algorithms developed to predict the effect of sequence changes on RNA splicing suggest that this variant may disrupt the consensus splice site.

Literature cited by the submitters: PubMed 17576681; PubMed 9536098.